The following is an entry in ClinVar:

NM_001211.6(BUB1B):c.2236G>C (p.Glu746Gln)

Gene: BUB1B (BUB1 mitotic checkpoint serine/threonine kinase B; plus strand). Cytogenetic location: 15q15.1.
Variant type: single nucleotide variant.
Coding change: c.2236G>C on transcript NM_001211.6 (MANE Select); coding-DNA position 2236, G replaced by C.
Protein change: p.Glu746Gln; replaces glutamic acid 746 with glutamine.
Molecular consequence: missense variant.
Genome position (GRCh38, 1-based): chr15:40,209,727, G>C. VCF-style: chr15-40209727-G-C. GRCh37 (hg19) VCF-style: chr15-40501928-G-C.
Other names: short protein forms E746Q.
Identifiers: ClinVar variation 5033513 (VCV005033513.1).
Genomic context (GRCh38, chr15:40,209,727, plus strand): 5'-TATCGCAGACAGCTACTGAAGTCCCTACCAGAGTTAAGTGCCTCTGCAGAGTTGTGTATA[G>C]AAGACAGACCAATGCCTAAGTTGGAAATTGAGAAGGAAATTGAATTAGGTAAGTACCATT-3'
Protein context (NP_001202.5, residues 736-756): ELSASAELCI[Glu746Gln]DRPMPKLEIE

ClinVar aggregate classification (germline): Uncertain significance (1 of 4 stars; one submission).

Conditions:
Inborn genetic diseases. Identifiers: MedGen C0950123, MeSH D030342.

Submission:

Ambry Genetics
Classification: Uncertain significance for Inborn genetic diseases. Last evaluated: 2026-07-08. Review status: criteria provided, single submitter. Criteria: Ambry Variant Classification Scheme 2023. Collection method: clinical testing. Allele origin: germline.
Comment: The p.E746Q variant (also known as c.2236G>C), located in coding exon 17 of the BUB1B gene, results from a G to C substitution at nucleotide position 2236. The glutamic acid at codon 746 is replaced by glutamine, an amino acid with highly similar properties. This amino acid position is conserved. In addition, this alteration is predicted to be tolerated by in silico analysis. Based on the available evidence, the clinical significance of this variant remains unclear.